The following is an entry in ClinVar:

NM_000465.4(BARD1):c.38G>A (p.Arg13Lys)

Gene: BARD1 (BRCA1 associated RING domain 1; minus strand). Cytogenetic location: 2q35.
Variant type: single nucleotide variant.
Coding change: c.38G>A on transcript NM_000465.4 (MANE Select); coding-DNA position 38, G replaced by A.
Protein change: p.Arg13Lys; replaces arginine 13 with lysine.
Molecular consequence: missense variant. On other transcripts: non-coding transcript variant (3).
Genome position (GRCh38, 1-based): chr2:214,809,532, C>T on the plus strand (G>A on the coding strand, the complement: BARD1 is on the minus strand). VCF-style: chr2-214809532-C-T. GRCh37 (hg19) VCF-style: chr2-215674256-C-T.
Other names: c.38G>A, p.Arg13Lys (NM_001282543.2, NM_001282545.2, NM_001282548.2 and 1 more transcripts); short protein forms R13K.
Identifiers: ClinVar variation 141390 (VCV000141390.20), dbSNP rs587781713, ClinGen allele CA165296.
Genomic context (GRCh38, chr2:214,809,532, plus strand): 5'-GCACCGCGACCATCCGGTTCCATGGCGGGCGCGGAACGAGGCTCGTTCCCGGAGCGGATC[C>T]TCGGCTGCCGGTTCCTCGGCTGCCGATTATCCGGCATCGTCCCGCCTTCGGATGAAAGGC-3'
Protein context (NP_000456.2, residues 3-23): DNRQPRNRQP[Arg13Lys]IRSGNEPRSA

ClinVar aggregate classification (germline): Uncertain significance. Review status: criteria provided, multiple submitters, no conflicts (2 of 4 stars). 3 submissions from 3 submitters: Uncertain significance (3). Last evaluated 2025-08-04.

Conditions:
Hereditary cancer-predisposing syndrome. Also called: Neoplastic Syndromes, Hereditary; Tumor predisposition; Hereditary Cancer Syndrome; Hereditary neoplastic syndrome. Identifiers: Orphanet 140162, MedGen C0027672, MeSH D009386, MONDO:0015356.
Familial cancer of breast. Also called: BREAST CANCER, FAMILIAL; Hereditary breast cancer; hereditary breast carcinoma. Identifiers: Orphanet 227535, MedGen C0346153, MONDO:0016419, OMIM 114480. Disease mechanism: loss of function.

Allele frequency attached by ClinVar (database versions not stated): gnomAD exomes 0.00001; ExAC 0.00002.
gnomAD v4.1: 7 of 1,583,258 alleles (0.00044%); highest among the groups gnomAD compares: Non-Finnish European, 0.0006%; no homozygotes.

Submissions (3):

Labcorp Genetics (formerly Invitae), Labcorp
Classification: Uncertain significance for Familial cancer of breast. Last evaluated: 2025-08-04. Review status: criteria provided, single submitter. Criteria: Invitae Variant Classification Sherloc (09022015). Collection method: clinical testing. Allele origin: germline.
Comment: This sequence change replaces arginine, which is basic and polar, with lysine, which is basic and polar, at codon 13 of the BARD1 protein (p.Arg13Lys). The frequency data for this variant in the population databases is considered unreliable, as metrics indicate poor data quality at this position in the gnomAD database. This variant has not been reported in the literature in individuals affected with BARD1-related conditions. ClinVar contains an entry for this variant (Variation ID: 141390). An algorithm developed to predict the effect of missense changes on protein structure and function outputs the following: PolyPhen-2: "Benign". The lysine amino acid residue is found in multiple mammalian species, which suggests that this missense change does not adversely affect protein function. In summary, the available evidence is currently insufficient to determine the role of this variant in disease. Therefore, it has been classified as a Variant of Uncertain Significance.

Ambry Genetics
Classification: Uncertain significance for Hereditary cancer-predisposing syndrome. Last evaluated: 2025-06-13. Review status: criteria provided, single submitter. Criteria: Ambry Variant Classification Scheme 2023. Collection method: clinical testing. Allele origin: germline.
Comment: The p.R13K variant (also known as c.38G>A), located in coding exon 1 of the BARD1 gene, results from a G to A substitution at nucleotide position 38. The arginine at codon 13 is replaced by lysine, an amino acid with highly similar properties. This amino acid position is not well conserved in available vertebrate species. In addition, this alteration is predicted to be tolerated by in silico analysis. Since supporting evidence is limited at this time, the clinical significance of this alteration remains unclear.

Color Diagnostics, LLC DBA Color Health
Classification: Uncertain significance for Hereditary cancer-predisposing syndrome. Last evaluated: 2023-12-05. Review status: criteria provided, single submitter. Criteria: ACMG Guidelines, 2015. Collection method: clinical testing. Allele origin: germline.
Comment: This missense variant replaces arginine with lysine at codon 13 of the BARD1 protein. Computational prediction suggests that this variant may not impact protein structure and function (internally defined REVEL score threshold <= 0.5, PMID: 27666373). To our knowledge, functional studies have not been reported for this variant. This variant has not been reported in individuals affected with BARD1-related disorders in the literature. This variant has been identified in 1/196518 chromosomes in the general population by the Genome Aggregation Database (gnomAD). The available evidence is insufficient to determine the role of this variant in disease conclusively. Therefore, this variant is classified as a Variant of Uncertain Significance.